The following is an entry in ClinVar:

ClinVar aggregate classification (germline): Benign (1 of 4 stars; one submission).

Conditions:
Papillary renal cell carcinoma type 1 (RCCP1). Also called: Renal adenocarcinoma; Renal cell carcinoma 1; Renal cell carcinoma, somatic; RENAL CELL CARCINOMA, PAPILLARY, 1, SOMATIC. Identifiers: Orphanet 47044, MedGen C1336839, OMIM 605074, HP:0011797.

Submission:

Myriad Genetics, Inc.
Classification: Benign for Papillary renal cell carcinoma type 1. Last evaluated: 2024-11-15. Review status: criteria provided, single submitter. Criteria: Myriad Autosomal Dominant, Autosomal Recessive and X-Linked Classification Criteria (2023). Collection method: clinical testing. Allele origin: unknown.
Comment: This variant is considered benign. This variant occurs in the non-coding 3' untranslated region of the gene, and is not expected to impact protein function.

NM_000245.4(MET):c.*2G>A

Gene: MET (MET proto-oncogene, receptor tyrosine kinase; plus strand). Cytogenetic location: 7q31.2.
Variant type: single nucleotide variant.
Coding change: c.*2G>A on transcript NM_000245.4 (MANE Select); 2 bases downstream of the stop codon, G replaced by A.
Molecular consequence: 3 prime UTR variant.
Genome position (GRCh38, 1-based): chr7:116,796,126, G>A. VCF-style: chr7-116796126-G-A. GRCh37 (hg19) VCF-style: chr7-116436180-G-A.
Other names: c.*2G>A (NM_001127500.3, NM_001324402.2).
Identifiers: ClinVar variation 3773006 (VCV003773006.1).